The following is an entry in ClinVar:

ClinVar aggregate classification (germline): Uncertain significance (1 of 4 stars; one submission).

Conditions:
Charcot-Marie-Tooth disease type 4. Also called: Charcot-Marie-Tooth disease, type IV; Charcot-Marie-Tooth, Type 4. Identifiers: Orphanet 64749, MedGen C4082197, MONDO:0018995.

Allele frequency attached by ClinVar (database versions not stated): gnomAD exomes below 0.00001; TOPMed below 0.00001; ExAC 0.00001.
gnomAD v4.1: 2 of 1,614,100 alleles (0.00012%); highest among the groups gnomAD compares: Admixed American, 0.0017%; no homozygotes.

Submission:

Labcorp Genetics (formerly Invitae), Labcorp
Classification: Uncertain significance for Charcot-Marie-Tooth disease type 4. Last evaluated: 2022-05-04. Review status: criteria provided, single submitter. Criteria: Invitae Variant Classification Sherloc (09022015). Collection method: clinical testing. Allele origin: germline.
Comment: This sequence change replaces tryptophan, which is neutral and slightly polar, with serine, which is neutral and polar, at codon 1764 of the SBF2 protein (p.Trp1764Ser). In summary, the available evidence is currently insufficient to determine the role of this variant in disease. Therefore, it has been classified as a Variant of Uncertain Significance. Algorithms developed to predict the effect of missense changes on protein structure and function are either unavailable or do not agree on the potential impact of this missense change (SIFT: "Deleterious"; PolyPhen-2: "Probably Damaging"; Align-GVGD: "Class C0"). This variant has not been reported in the literature in individuals affected with SBF2-related conditions. This variant is present in population databases (rs762887256, gnomAD 0.003%).

NM_030962.4(SBF2):c.5291G>C (p.Trp1764Ser)

Genes: SBF2 (SET binding factor 2; minus strand), SBF2-AS1 (SBF2 antisense RNA 1; plus strand), LOC105369149 (uncharacterized LOC105369149; plus strand). Cytogenetic location: 11p15.4.
Variant type: single nucleotide variant.
Coding change: c.5291G>C on transcript NM_030962.4 (MANE Select); coding-DNA position 5291, G replaced by C.
Protein change: p.Trp1764Ser; replaces tryptophan 1764 with serine.
Molecular consequence: missense variant.
Genome position (GRCh38, 1-based): chr11:9,784,379, C>G on the plus strand (G>C on the coding strand, the complement: SBF2 is on the minus strand). VCF-style: chr11-9784379-C-G. GRCh37 (hg19) VCF-style: chr11-9805926-C-G.
Other names: c.5387G>C, p.Trp1796Ser (NM_001386339.1); c.5162G>C, p.Trp1721Ser (NM_001386342.1); short protein forms W1721S, W1796S, W1764S.
Identifiers: ClinVar variation 1950959 (VCV001950959.4), dbSNP rs762887256, ClinGen allele CA5880745.
Genomic context (GRCh38, chr11:9,784,379, plus strand): 5'-GAAGTAATTTCTTTTGGCTTTAAGAGTATTACCTGATGTTTTGTTACATCCAAAACAAAC[C>G]AACGGGGCTTCCAACCTTTCAGCAAAGCCCCTCTTTTATAAAGTGTTCCCTCAAAGGACC-3'
Protein context (NP_112224.1, residues 1754-1774): GALLKGWKPR[Trp1764Ser]FVLDVTKHQL